The following is an entry in ClinVar:

ClinVar aggregate classification (germline): Uncertain significance (1 of 4 stars; one submission).

Conditions:
Inborn genetic diseases. Identifiers: MedGen C0950123, MeSH D030342.

Submission:

Ambry Genetics
Classification: Uncertain significance for Inborn genetic diseases. Last evaluated: 2025-12-06. Review status: criteria provided, single submitter. Criteria: Ambry Variant Classification Scheme 2023. Collection method: clinical testing. Allele origin: germline.
Comment: The p.G382A variant (also known as c.1145G>C), located in coding exon 10 of the AKT1 gene, results from a G to C substitution at nucleotide position 1145. The glycine at codon 382 is replaced by alanine, an amino acid with similar properties. This amino acid position is conserved. In addition, the in silico prediction for this alteration is inconclusive. Based on the available evidence, the clinical significance of this variant remains unclear.

NM_001382430.1(AKT1):c.1145G>C (p.Gly382Ala)

Gene: AKT1 (AKT serine/threonine kinase 1; minus strand). Cytogenetic location: 14q32.33.
Variant type: single nucleotide variant.
Coding change: c.1145G>C on transcript NM_001382430.1 (MANE Select); coding-DNA position 1145, G replaced by C.
Protein change: p.Gly382Ala; replaces glycine 382 with alanine.
Molecular consequence: missense variant.
Genome position (GRCh38, 1-based): chr14:104,772,905, C>G on the plus strand (G>C on the coding strand, the complement: AKT1 is on the minus strand). VCF-style: chr14-104772905-C-G. GRCh37 (hg19) VCF-style: chr14-105239242-C-G.
Other names: c.1145G>C, p.Gly382Ala (NM_001014431.2, NM_001014432.2, NM_001382431.1 and 3 more transcripts); short protein forms G382A.
Identifiers: ClinVar variation 4574147 (VCV004574147.1).